The following is an entry in ClinVar:

NC_000005.10:g.112848450G>T

Variant type: single nucleotide variant.
Genome position: GRCh38 VCF-style: chr5-112848450-G-T. GRCh37 (hg19) VCF-style: chr5-112184147-G-T.
Identifiers: ClinVar variation 83279 (VCV000083279.3), dbSNP rs79226141, ClinGen allele CA250971.

ClinVar aggregate classification (germline): other (0 of 4 stars; one submission).

Conditions:
Familial colorectal cancer. Identifiers: MedGen CN280943, MONDO:0023113. Disease mechanism: loss of function.

Submission:

Systems Biology Platform Zhejiang California International NanoSystems Institute
Classification: other for Familial colorectal cancer. Review status: no assertion criteria provided. Collection method: not provided. Allele origin: unknown.
ClinVar note: Converted during submission from cancer to other.